The following is an entry in ClinVar:

NM_001135556.2(DYNC1I1):c.1440C>A (p.Gly480=)

Gene: DYNC1I1 (dynein cytoplasmic 1 intermediate chain 1; plus strand). Cytogenetic location: 7q21.3.
Variant type: single nucleotide variant.
Coding change: c.1440C>A on transcript NM_001135556.2 (MANE Select); coding-DNA position 1440, C replaced by A.
Protein change: p.Gly480=; no amino-acid change (glycine 480 retained).
Molecular consequence: synonymous variant.
Genome position (GRCh38, 1-based): chr7:96,039,352, C>A. VCF-style: chr7-96039352-C-A. GRCh37 (hg19) VCF-style: chr7-95668664-C-A.
Other names: c.1380C>A, p.Gly460= (NM_001135557.2, NM_001278422.2); c.1431C>A, p.Gly477= (NM_001278421.2); c.1491C>A, p.Gly497= (NM_004411.5).
Identifiers: ClinVar variation 402811 (VCV000402811.14), dbSNP rs1048666, ClinGen allele CA4352527.
Genomic context (GRCh38, chr7:96,039,352, plus strand): 5'-TGAGGTCTTTGAAGGTCACCAAGGGCCAGTGACAGGAATTAACTGCCACATGGCAGTGGG[C>A]CCAATCGACTTTTCTCACCTGTTTGTCACATCATCATTTGACTGGACTGTCAAACTGTGG-3'
Protein context (NP_001129028.1, residues 470-490): VTGINCHMAV[Gly480=]PIDFSHLFVT

ClinVar aggregate classification (germline): Benign. Review status: criteria provided, multiple submitters, no conflicts (2 of 4 stars). 4 submissions from 4 submitters: Benign (4). Last evaluated 2026-02-01.

Allele frequency attached by ClinVar (database versions not stated): gnomAD exomes 0.19861 and 0.20761; ExAC 0.19991; 1000 Genomes Project 0.21186; 1000 Genomes Project 30x 0.21299; gnomAD 0.21854 and 0.22313; ESP Exome Variant Server 0.22490; TOPMed 0.22659.
gnomAD v4.1: 336,943 of 1,613,652 alleles (21%); highest among the groups gnomAD compares: East Asian, 30%; 36,881 homozygotes.

Submissions (4):

Labcorp Genetics (formerly Invitae), Labcorp
Classification: Benign. Last evaluated: 2026-02-01. Review status: criteria provided, single submitter. Criteria: Invitae Variant Classification Sherloc (09022015). Collection method: clinical testing. Allele origin: germline.

GeneDx
Classification: Benign. Last evaluated: 2021-05-04. Review status: criteria provided, single submitter. Criteria: GeneDx Variant Classification Process June 2021. Collection method: clinical testing. Allele origin: germline. Affected: yes.

Laboratory for Molecular Medicine, Mass General Brigham Personalized Medicine
Classification: Benign. Last evaluated: 2016-03-29. Review status: criteria provided, single submitter. Criteria: LMM Criteria. Collection method: clinical testing. Allele origin: germline.
Comment: Variant identified in a genome or exome case(s) and assessed due to predicted null impact of the variant or pathogenic assertions in the literature or databases. Disclaimer: This variant has not undergone full assessment. The following are preliminary notes: Frequency

Breakthrough Genomics
Classification: Benign. Review status: criteria provided, single submitter. Criteria: ACMG Guidelines, 2015. Collection method: not provided. Allele origin: germline. Inheritance: Unknown mechanism. Affected: yes.